The following is an entry in ClinVar:

ClinVar aggregate classification (germline): Likely pathogenic. Review status: criteria provided, single submitter (1 of 4 stars). 2 submissions from 2 submitters: Likely pathogenic (1). 1 of the submissions does not count toward it. Last evaluated 2023-07-07.

Conditions:
Primary hyperoxaluria, type I (HP1). Also called: GLYCOLIC ACIDURIA; HEPATIC AGT DEFICIENCY; OXALOSIS I; Primary hyperoxaluria type 1. Identifiers: Orphanet 416, Orphanet 93598, MedGen C0268164, MONDO:0009823, OMIM 259900. Disease mechanism: loss of function.

Submissions (2):

Baylor Genetics
Classification: Likely pathogenic for Primary hyperoxaluria, type I. Last evaluated: 2023-07-07. Review status: criteria provided, single submitter. Criteria: ACMG Guidelines, 2015. Collection method: clinical testing. Allele origin: unknown.

Clinical Biochemistry Laboratory, Health Services Laboratory
Classification: Pathogenic for Primary hyperoxaluria, type I. Last evaluated: 2014-11-27. Review status: no assertion criteria provided. Collection method: research. Allele origin: germline. Affected: yes. Not counted in ClinVar's aggregate classification.
Comment: peroxisomal and cytosolic distribution

Literature cited by the submitters: PubMed 22685354 (cited by Clinical Biochemistry Laboratory, Health Services Laboratory).

NM_000030.3(AGXT):c.751_752delinsAA (p.Trp251Lys)

Gene: AGXT (alanine--glyoxylate aminotransferase; plus strand). Cytogenetic location: 2q37.3.
Variant type: Indel.
Coding change: c.751_752delinsAA on transcript NM_000030.3 (MANE Select); coding-DNA positions 751 to 752, TG replaced by AA.
Protein change: p.Trp251Lys; replaces tryptophan 251 with lysine.
Molecular consequence: missense variant.
Genome position (GRCh38, 1-based): chr2:240,875,179-240,875,180, TG replaced by AA. VCF-style: chr2-240875179-TG-AA. GRCh37 (hg19) VCF-style: chr2-241814596-TG-AA.
Other names: short protein forms W251K.
Identifiers: ClinVar variation 204199 (VCV000204199.3), dbSNP rs796052072, ClinGen allele CA275851.